The following is an entry in ClinVar:

ClinVar aggregate classification (germline): Benign (1 of 4 stars; one submission).

Conditions:
Lethal polymalformative syndrome, Boissel type. Also called: GROWTH RETARDATION, DEVELOPMENTAL DELAY, AND FACIAL DYSMORPHISM. Identifiers: Orphanet 210144, MedGen C2752001, MONDO:0013050, OMIM 612938.

Allele frequency attached by ClinVar (database versions not stated): gnomAD 0.00655 and 0.00696; TOPMed 0.00731; 1000 Genomes Project 0.00899; 1000 Genomes Project 30x 0.00999.

Submission:

Illumina Laboratory Services, Illumina
Classification: Benign for Lethal polymalformative syndrome, Boissel type. Last evaluated: 2018-01-12. Review status: criteria provided, single submitter. Criteria: ICSL Variant Classification Criteria 13 December 2019. Collection method: clinical testing. Allele origin: germline.
Comment: This variant was observed in the ICSL laboratory as part of a predisposition screen in an ostensibly healthy population. It had not been previously curated by ICSL or reported in the Human Gene Mutation Database (HGMD: prior to June 1st, 2018), and was therefore a candidate for classification through an automated scoring system. Utilizing variant allele frequency, disease prevalence and penetrance estimates, and inheritance mode, an automated score was calculated to assess if this variant is too frequent to cause the disease. Based on the score and internal cut-off values, a variant classified as benign is not then subjected to further curation. The score for this variant resulted in a classification of benign for this disease.

NM_001080432.3(FTO):c.*2551G>A

Gene: FTO (FTO alpha-ketoglutarate dependent dioxygenase; plus strand). Cytogenetic location: 16q12.2.
Variant type: single nucleotide variant.
Coding change: c.*2551G>A on transcript NM_001080432.3 (MANE Select); 2551 bases downstream of the stop codon, G replaced by A.
Molecular consequence: 3 prime UTR variant.
Genome position (GRCh38, 1-based): chr16:54,114,466, G>A. VCF-style: chr16-54114466-G-A. GRCh37 (hg19) VCF-style: chr16-54148378-G-A.
Other names: c.*2551G>A (NM_001363891.2, NM_001363894.2, NM_001363896.2 and 6 more transcripts); c.*2669G>A (NM_001363903.2); c.*2727G>A (NM_001363988.2).
Identifiers: ClinVar variation 319739 (VCV000319739.5), dbSNP rs116773044, ClinGen allele CA10647738.